The following is an entry in ClinVar:

ClinVar aggregate classification (germline): Benign/Likely benign. Review status: criteria provided, multiple submitters, no conflicts (2 of 4 stars). 10 submissions from 10 submitters: Benign (3); Likely benign (7). Last evaluated 2026-01-17.

Conditions:
Mitochondrial complex 2 deficiency, nuclear type 4. Also called: MITOCHONDRIAL COMPLEX II DEFICIENCY, NUCLEAR TYPE 4. Identifiers: MedGen C5543176, MONDO:0030974, OMIM 619224.
Carney-Stratakis syndrome. Also called: PARAGANGLIOMA AND GASTROINTESTINAL STROMAL TUMOR. Identifiers: Orphanet 97286, MedGen C1847319, MONDO:0011740, OMIM 606864.
Pheochromocytoma/paraganglioma syndrome 4. Also called: SDHB-Related Hereditary Paraganglioma-Pheochromocytoma Syndrome; Paragangliomas 4; CAROTID BODY TUMORS AND MULTIPLE EXTRAADRENAL PHEOCHROMOCYTOMAS; PARAGANGLIOMA, FAMILIAL MALIGNANT; PARAGANGLIOMAS, HEREDITARY EXTRAADRENAL; PHEOCHROMOCYTOMA, FAMILIAL EXTRAADRENAL. Identifiers: Orphanet 29072, MedGen C1861848, MONDO:0007273, OMIM 115310.
Gastrointestinal stromal tumor. Also called: Gastrointestinal stromal tumor, somatic; Gastrointestinal stroma tumor. Identifiers: Orphanet 44890, MedGen C0238198, MeSH D046152, MONDO:0011719, OMIM 606764, HP:0100723.
Pheochromocytoma. Also called: MAX-Related Hereditary Paraganglioma-Pheochromocytoma Syndrome. Identifiers: Orphanet 29072, MedGen C0031511, MONDO:0008233, OMIM 171300, HP:0002666.
Hereditary cancer-predisposing syndrome. Also called: Neoplastic Syndromes, Hereditary; Hereditary Cancer Syndrome; Hereditary neoplastic syndrome; Tumor predisposition. Identifiers: Orphanet 140162, MedGen C0027672, MeSH D009386, MONDO:0015356.
Hereditary pheochromocytoma and paraganglioma. Also called: Hereditary Paraganglioma-Pheochromocytoma Syndromes; Hereditary pheochromocytoma-paraganglioma; Hereditary paragangliomas and pheochromocytomas. Identifiers: Orphanet 29072, MedGen C4274332, MONDO:0017366.

Allele frequency attached by ClinVar (database versions not stated): TOPMed 0.00003; gnomAD 0.00004 and 0.00005; gnomAD exomes 0.00004 and 0.00006; ExAC 0.00006; ESP Exome Variant Server 0.00015; 1000 Genomes Project 0.00020; 1000 Genomes Project 30x 0.00031.
gnomAD v4.1: 75 of 1,612,870 alleles (0.0047%); highest among the groups gnomAD compares: South Asian, 0.029%; 1 homozygote.

Submissions (10):

Labcorp Genetics (formerly Invitae), Labcorp
Classification: Likely benign for Gastrointestinal stromal tumor; Pheochromocytoma/paraganglioma syndrome 4; Pheochromocytoma. Last evaluated: 2026-01-17. Review status: criteria provided, single submitter. Criteria: Invitae Variant Classification Sherloc (09022015). Collection method: clinical testing. Allele origin: germline.

Myriad Genetics, Inc.
Classification: Benign for Pheochromocytoma/paraganglioma syndrome 4. Last evaluated: 2025-03-13. Review status: criteria provided, single submitter. Criteria: Myriad Autosomal Dominant, Autosomal Recessive and X-Linked Classification Criteria (2023). Collection method: clinical testing. Allele origin: unknown.
Comment: This variant is considered benign. This variant is a silent/synonymous amino acid change and it is not expected to impact splicing.

Center for Genomic Medicine, Rigshospitalet, Copenhagen University Hospital
Classification: Likely benign. Last evaluated: 2025-03-04. Review status: criteria provided, single submitter. Criteria: ACMG Guidelines, 2015. Collection method: clinical testing. Allele origin: germline.

Department of Pathology and Laboratory Medicine, Sinai Health System
Classification: Likely benign for Pheochromocytoma/paraganglioma syndrome 4; Gastrointestinal stromal tumor; Carney-Stratakis syndrome; Mitochondrial complex 2 deficiency, nuclear type 4. Last evaluated: 2024-09-18. Review status: criteria provided, single submitter. Criteria: ACMG Guidelines, 2015. Collection method: clinical testing. Allele origin: germline.

Quest Diagnostics Nichols Institute San Juan Capistrano
Classification: Benign. Last evaluated: 2023-09-20. Review status: criteria provided, single submitter. Criteria: Quest Diagnostics criteria. Collection method: clinical testing. Allele origin: unknown.

Color Diagnostics, LLC DBA Color Health
Classification: Likely benign for Hereditary pheochromocytoma and paraganglioma. Last evaluated: 2022-11-06. Review status: criteria provided, single submitter. Criteria: ACMG Guidelines, 2015. Collection method: clinical testing. Allele origin: germline.

Sema4
Classification: Benign for Hereditary cancer-predisposing syndrome. Last evaluated: 2021-07-14. Review status: criteria provided, single submitter. Criteria: Sema4 Curation Guidelines. Collection method: curation. Allele origin: germline.

Blueprint Genetics
Classification: Likely benign. Last evaluated: 2020-10-31. Review status: criteria provided, single submitter. Criteria: ACMG Guidelines, 2015. Collection method: clinical testing. Allele origin: germline.

GeneDx
Classification: Likely benign. Last evaluated: 2020-10-19. Review status: criteria provided, single submitter. Criteria: GeneDx Variant Classification Process June 2021. Collection method: clinical testing. Allele origin: germline. Affected: yes.

Ambry Genetics
Classification: Likely benign for Hereditary cancer-predisposing syndrome. Last evaluated: 2016-04-22. Review status: criteria provided, single submitter. Criteria: Ambry Variant Classification Scheme 2023. Collection method: clinical testing. Allele origin: germline.

NM_003000.3(SDHB):c.552C>T (p.Tyr184=)

Gene: SDHB (succinate dehydrogenase complex iron sulfur subunit B; minus strand). Cytogenetic location: 1p36.13.
Variant type: single nucleotide variant.
Coding change: c.552C>T on transcript NM_003000.3 (MANE Select); coding-DNA position 552, C replaced by T.
Protein change: p.Tyr184=; no amino-acid change (tyrosine 184 retained).
Molecular consequence: synonymous variant.
Genome position (GRCh38, 1-based): chr1:17,024,063, G>A on the plus strand (C>T on the coding strand, the complement: SDHB is on the minus strand). VCF-style: chr1-17024063-G-A. GRCh37 (hg19) VCF-style: chr1-17350558-G-A.
Identifiers: ClinVar variation 459156 (VCV000459156.30), dbSNP rs202098600, ClinGen allele CA089669.